The following is an entry in ClinVar:

ClinVar aggregate classification (germline): Conflicting classifications of pathogenicity. Review status: criteria provided, conflicting classifications (1 of 4 stars). 8 submissions from 7 submitters: Uncertain significance (4); Benign (1); Likely benign (2). 1 of the submissions does not count toward it. Last evaluated 2026-01-05.

Conditions:
Hyperparathyroidism. Identifiers: MedGen C0020502, MONDO:0001741, HP:0000843.
MEN1-related disorder. Also called: MEN1-related condition.
Multiple endocrine neoplasia, type 1 (MEN1). Also called: MEN I; WERMER SYNDROME; Endocrine adenomatosis multiple; MEN 1; MEA I. Identifiers: Orphanet 652, MedGen C0025267, MeSH D018761, MONDO:0007540, OMIM 131100.
Somatotroph adenoma (PITA1). Also called: AIP Familial Isolated Pituitary Adenomas; Pituitary adenoma, growth hormone-secreting; ISOLATED FAMILIAL SOMATOTROPINOMA; SOMATOTROPHINOMA, FAMILIAL; PITUITARY ADENOMA 1, MULTIPLE TYPES; Pituitary tumor, growth hormone-secreting, somatic. Identifiers: Orphanet 314777, Orphanet 963, MedGen C4538355, MONDO:0007052, OMIM 102200.

Allele frequency attached by ClinVar (database versions not stated): TOPMed 0.00017; gnomAD exomes 0.00019; gnomAD 0.00023 and 0.00024.
gnomAD v4.1: 55 of 249,118 alleles (0.022%); highest among the groups gnomAD compares: Non-Finnish European, 0.031%; no homozygotes.

Submissions (8):

PreventionGenetics, part of Exact Sciences
Classification: Likely benign for MEN1-related condition. Last evaluated: 2026-01-05. Review status: criteria provided, single submitter. Criteria: ACMG Guidelines, 2015. Collection method: clinical testing. Allele origin: germline.
Comment: This variant is classified as likely benign based on ACMG/AMP sequence variant interpretation guidelines (Richards et al. 2015 PMID: 25741868, with internal and published modifications).

Dasa
Classification: Likely benign for Multiple endocrine neoplasia, type 1. Last evaluated: 2025-11-06. Review status: criteria provided, single submitter. Criteria: DASA Assertion Criteria. Collection method: clinical testing. Allele origin: germline.
Comment: NM_001370259.2(MEN1):c.*470A>G is a sequence variant. The variant context is inconsistent with a known disease-causing mechanism. Computational prediction algorithms are consistent with a benign effect. Therefore, based on the currently available evidence, this variant is classified as likely benign.

Women's Health and Genetics/Laboratory Corporation of America, LabCorp
Classification: Benign. Last evaluated: 2025-05-15. Review status: criteria provided, single submitter. Criteria: LabCorp Variant Classification Summary - May 2015. Collection method: clinical testing. Allele origin: germline.
Comment: Variant summary: MEN1 c.*470A>G is located in the untranslated mRNA region downstream of the termination codon. The variant allele was found at a frequency of 0.00022 in 249118 control chromosomes. The observed variant frequency is approximately 10.6 fold of the estimated maximal expected allele frequency for a pathogenic variant in MEN1 causing Multiple Endocrine Neoplasia Type 1 phenotype (2.1e-05). c.*470A>G has been observed in an affected individual from a family with familial isolated pituitary adenomas, however no other affected individuals were found to carry the variant (Yarman_2019). This report does not provide unequivocal conclusions about association of the variant with Multiple Endocrine Neoplasia Type 1. To our knowledge, no experimental evidence demonstrating an impact on protein function has been reported. The following publication has been ascertained in the context of this evaluation (PMID: 30630164). ClinVar contains an entry for this variant (Variation ID: 305302). Based on the evidence outlined above, the variant was classified as benign.

Fulgent Genetics
Classification: Uncertain significance for Multiple endocrine neoplasia, type 1. Last evaluated: 2024-04-01. Review status: criteria provided, single submitter. Criteria: ACMG Guidelines, 2015. Collection method: clinical testing. Allele origin: germline.

Mendelics
Classification: Uncertain significance. Last evaluated: 2022-05-04. Review status: criteria provided, single submitter. Criteria: Mendelics Assertion Criteria 2019. Collection method: clinical testing. Allele origin: germline.

Illumina Laboratory Services, Illumina
Classification: Uncertain significance for Hyperparathyroidism. Last evaluated: 2018-01-13. Review status: criteria provided, single submitter. Criteria: ICSL Variant Classification Criteria 13 December 2019. Collection method: clinical testing. Allele origin: germline.

Illumina Laboratory Services, Illumina
Classification: Uncertain significance for Multiple endocrine neoplasia, type 1. Last evaluated: 2018-01-13. Review status: criteria provided, single submitter. Criteria: ICSL Variant Classification Criteria 13 December 2019. Collection method: clinical testing. Allele origin: germline.

Aziz Sancar Institute of Experimental Medicine, Istanbul University
Classification: Likely pathogenic for Somatotroph adenoma. Last evaluated: 2017-12-05. Review status: flagged submission. Criteria: Yarman et al. (Pathobiology, 2019). Collection method: research. Allele origin: germline. Affected: yes. Observed: 1 variant allele. Not counted in ClinVar's aggregate classification.
Comment: Depicted in ClinVar through clinical testing as uncertain clinical significance. Detected in our cohort of FIPA patients, associated with clinical findings.
ClinVar note: Reason: Older and outlier claim with insufficient supporting evidence

Literature cited by the submitters: PubMed 30630164 (cited by Women's Health and Genetics/Laboratory Corporation of America, LabCorp).

NM_001370259.2(MEN1):c.*470A>G

Gene: MEN1 (menin 1; minus strand). Cytogenetic location: 11q13.1.
Variant type: single nucleotide variant.
Coding change: c.*470A>G on transcript NM_001370259.2 (MANE Select); 470 bases downstream of the stop codon, A replaced by G.
Molecular consequence: 3 prime UTR variant.
Genome position (GRCh38, 1-based): chr11:64,803,864, T>C on the plus strand (A>G on the coding strand, the complement: MEN1 is on the minus strand). VCF-style: chr11-64803864-T-C. GRCh37 (hg19) VCF-style: chr11-64571336-T-C.
Other names: c.*470A>G (NM_130799.3, NM_130800.3, NM_130801.3 and 9 more transcripts).
Identifiers: ClinVar variation 305302 (VCV000305302.13), dbSNP rs778272737, ClinGen allele CA10635265.